The following is an entry in ClinVar:

NM_000214.3(JAG1):c.243G>C (p.Glu81Asp)

Gene: JAG1 (jagged canonical Notch ligand 1; minus strand). Cytogenetic location: 20p12.2.
Variant type: single nucleotide variant.
Coding change: c.243G>C on transcript NM_000214.3 (MANE Select); coding-DNA position 243, G replaced by C.
Protein change: p.Glu81Asp; replaces glutamic acid 81 with aspartic acid.
Molecular consequence: missense variant.
Genome position (GRCh38, 1-based): chr20:10,672,845, C>G on the plus strand (G>C on the coding strand, the complement: JAG1 is on the minus strand). VCF-style: chr20-10672845-C-G. GRCh37 (hg19) VCF-style: chr20-10653493-C-G.
Other names: short protein forms E81D.
Identifiers: ClinVar variation 1047284 (VCV001047284.9), dbSNP rs2067506800, ClinGen allele CA408243097.

ClinVar aggregate classification (germline): Uncertain significance (1 of 4 stars; one submission).

Conditions:
Alagille syndrome due to a JAG1 point mutation. Also called: HEPATIC DUCTULAR HYPOPLASIA, SYNDROMATIC; Alagille Syndrome 1; JAG1-Related Alagille Syndrome. Identifiers: Orphanet 261619, Orphanet 52, MedGen C1956125, MONDO:0016862, OMIM 118450.

Submission:

Labcorp Genetics (formerly Invitae), Labcorp
Classification: Uncertain significance for Alagille syndrome due to a JAG1 point mutation. Last evaluated: 2020-01-23. Review status: criteria provided, single submitter. Criteria: Invitae Variant Classification Sherloc (09022015). Collection method: clinical testing. Allele origin: germline.
Comment: This sequence change replaces glutamic acid with aspartic acid at codon 81 of the JAG1 protein (p.Glu81Asp). The glutamic acid residue is highly conserved and there is a small physicochemical difference between glutamic acid and aspartic acid. This variant is not present in population databases (ExAC no frequency). This variant has not been reported in the literature in individuals with JAG1-related conditions. Algorithms developed to predict the effect of missense changes on protein structure and function (SIFT, PolyPhen-2, Align-GVGD) all suggest that this variant is likely to be disruptive, but these predictions have not been confirmed by published functional studies and their clinical significance is uncertain. In summary, the available evidence is currently insufficient to determine the role of this variant in disease. Therefore, it has been classified as a Variant of Uncertain Significance.